The following is an entry in ClinVar:

ClinVar aggregate classification (germline): Benign (1 of 4 stars; one submission).

Conditions:
Autosomal dominant aplasia and myelodysplasia. Also called: Bone marrow failure syndrome 1. Identifiers: Orphanet 314399, MedGen C3808553, MONDO:0013851, OMIM 614675.

Allele frequency attached by ClinVar (database versions not stated): gnomAD 0.00648 and 0.00692; TOPMed 0.00735; 1000 Genomes Project 0.00799; 1000 Genomes Project 30x 0.00874.

Submission:

Illumina Laboratory Services, Illumina
Classification: Benign for Autosomal dominant aplasia and myelodysplasia. Last evaluated: 2018-01-12. Review status: criteria provided, single submitter. Criteria: ICSL Variant Classification Criteria 13 December 2019. Collection method: clinical testing. Allele origin: germline.
Comment: This variant was observed in the ICSL laboratory as part of a predisposition screen in an ostensibly healthy population. It had not been previously curated by ICSL or reported in the Human Gene Mutation Database (HGMD: prior to June 1st, 2018), and was therefore a candidate for classification through an automated scoring system. Utilizing variant allele frequency, disease prevalence and penetrance estimates, and inheritance mode, an automated score was calculated to assess if this variant is too frequent to cause the disease. Based on the score and internal cut-off values, a variant classified as benign is not then subjected to further curation. The score for this variant resulted in a classification of benign for this disease.

NM_006947.4(SRP72):c.*972G>A

Gene: SRP72 (signal recognition particle 72; plus strand). Cytogenetic location: 4q12.
Variant type: single nucleotide variant.
Coding change: c.*972G>A on transcript NM_006947.4 (MANE Select); 972 bases downstream of the stop codon, G replaced by A.
Molecular consequence: 3 prime UTR variant. On other transcripts: non-coding transcript variant (1).
Genome position (GRCh38, 1-based): chr4:56,502,833, G>A. VCF-style: chr4-56502833-G-A. GRCh37 (hg19) VCF-style: chr4-57368999-G-A.
Other names: c.*972G>A (NM_001267722.2).
Identifiers: ClinVar variation 349158 (VCV000349158.5), dbSNP rs189886380, ClinGen allele CA10621349.